The following is an entry in ClinVar:

NM_017654.4(SAMD9):c.775G>A (p.Ala259Thr)

Gene: SAMD9 (sterile alpha motif domain containing 9; minus strand). Cytogenetic location: 7q21.2.
Variant type: single nucleotide variant.
Coding change: c.775G>A on transcript NM_017654.4 (MANE Select); coding-DNA position 775, G replaced by A.
Protein change: p.Ala259Thr; replaces alanine 259 with threonine.
Molecular consequence: missense variant.
Genome position (GRCh38, 1-based): chr7:93,105,323, C>T on the plus strand (G>A on the coding strand, the complement: SAMD9 is on the minus strand). VCF-style: chr7-93105323-C-T. GRCh37 (hg19) VCF-style: chr7-92734636-C-T.
Other names: c.775G>A, p.Ala259Thr (NM_001193307.2); short protein forms A259T.
Identifiers: ClinVar variation 4629875 (VCV004629875.1).

ClinVar aggregate classification (germline): Uncertain significance (1 of 4 stars; one submission).

Conditions:
Inborn genetic diseases. Identifiers: MedGen C0950123, MeSH D030342.

Submission:

Ambry Genetics
Classification: Uncertain significance for Inborn genetic diseases. Last evaluated: 2025-10-16. Review status: criteria provided, single submitter. Criteria: Ambry Variant Classification Scheme 2023. Collection method: clinical testing. Allele origin: germline.
Comment: The p.A259T variant (also known as c.775G>A), located in coding exon 1 of the SAMD9 gene, results from a G to A substitution at nucleotide position 775. The alanine at codon 259 is replaced by threonine, an amino acid with similar properties. This amino acid position is conserved. In addition, this alteration is predicted to be tolerated by in silico analysis. Based on the available evidence, the clinical significance of this variant remains unclear.